The following is an entry in ClinVar:

ClinVar aggregate classification (germline): Uncertain significance (1 of 4 stars; one submission).

gnomAD v4.1: 1 of 1,567,736 alleles (0.000064%); highest among the groups gnomAD compares: Non-Finnish European, 0.000086%; no homozygotes.

Submission:

GeneDx
Classification: Uncertain significance. Last evaluated: 2026-09-18. Review status: criteria provided, single submitter. Criteria: GeneDx Variant Classification Process June 2021. Collection method: clinical testing. Allele origin: germline.
Comment: In silico analysis supports that this missense variant has a deleterious effect on protein structure/function; Not observed at significant frequency in large population cohorts (gnomAD); Has not been previously published as pathogenic or benign to our knowledge

NM_016148.5(SHANK1):c.5227C>T (p.Pro1743Ser)

Gene: SHANK1 (SH3 and multiple ankyrin repeat domains 1; minus strand). Cytogenetic location: 19q13.33.
Variant type: single nucleotide variant.
Coding change: c.5227C>T on transcript NM_016148.5 (MANE Select); coding-DNA position 5227, C replaced by T.
Protein change: p.Pro1743Ser; replaces proline 1743 with serine.
Molecular consequence: missense variant.
Genome position (GRCh38, 1-based): chr19:50,666,733, G>A on the plus strand (C>T on the coding strand, the complement: SHANK1 is on the minus strand). VCF-style: chr19-50666733-G-A. GRCh37 (hg19) VCF-style: chr19-51169990-G-A.
Other names: short protein forms P1743S.
Identifiers: ClinVar variation 3370170 (VCV003370170.2).